The following is an entry in ClinVar:

NM_024675.4(PALB2):c.1120A>G (p.Ile374Val)

Gene: PALB2 (partner and localizer of BRCA2; minus strand). Cytogenetic location: 16p12.2.
Variant type: single nucleotide variant.
Coding change: c.1120A>G on transcript NM_024675.4 (MANE Select); coding-DNA position 1120, A replaced by G.
Protein change: p.Ile374Val; replaces isoleucine 374 with valine.
Molecular consequence: missense variant. On other transcripts: intron variant (3).
Genome position (GRCh38, 1-based): chr16:23,635,426, T>C on the plus strand (A>G on the coding strand, the complement: PALB2 is on the minus strand). VCF-style: chr16-23635426-T-C. GRCh37 (hg19) VCF-style: chr16-23646747-T-C.
Other names: c.1060A>G, p.Ile354Val (NM_001407296.1); c.1120A>G, p.Ile374Val (NM_001407297.1, NM_001407298.1, NM_001407299.1 and 3 more transcripts); c.235A>G, p.Ile79Val (NM_001407304.1, NM_001407305.1, NM_001407306.1 and 5 more transcripts); c.48+5684A>G (NM_001407314.1); c.-104-4957A>G (NM_001407313.1, NM_001407312.1); short protein forms I354V, I374V, I79V.
Identifiers: ClinVar variation 4736613 (VCV004736613.1).

ClinVar aggregate classification (germline): Uncertain significance (1 of 4 stars; one submission).

Conditions:
Familial cancer of breast. Also called: hereditary breast carcinoma; BREAST CANCER, FAMILIAL; Hereditary breast cancer. Identifiers: Orphanet 227535, MedGen C0346153, MONDO:0016419, OMIM 114480. Disease mechanism: loss of function.

Submission:

Labcorp Genetics (formerly Invitae), Labcorp
Classification: Uncertain significance for Familial cancer of breast. Last evaluated: 2025-02-26. Review status: criteria provided, single submitter. Criteria: Invitae Variant Classification Sherloc (09022015). Collection method: clinical testing. Allele origin: germline.
Comment: This sequence change replaces isoleucine, which is neutral and non-polar, with valine, which is neutral and non-polar, at codon 374 of the PALB2 protein (p.Ile374Val). This variant is not present in population databases (gnomAD no frequency). This variant has not been reported in the literature in individuals affected with PALB2-related conditions. Invitae Evidence Modeling of protein sequence and biophysical properties (such as structural, functional, and spatial information, amino acid conservation, physicochemical variation, residue mobility, and thermodynamic stability) indicates that this missense variant is not expected to disrupt PALB2 protein function with a negative predictive value of 80%. In summary, the available evidence is currently insufficient to determine the role of this variant in disease. Therefore, it has been classified as a Variant of Uncertain Significance.